The following is an entry in ClinVar:

ClinVar aggregate classification (germline): Uncertain significance (1 of 4 stars; one submission).

Submission:

Labcorp Genetics (formerly Invitae), Labcorp
Classification: Uncertain significance. Last evaluated: 2025-10-20. Review status: criteria provided, single submitter. Criteria: Invitae Variant Classification Sherloc (09022015). Collection method: clinical testing. Allele origin: germline.
Comment: This variant, c.884_886del, results in the deletion of 1 amino acid(s) of the RDH5 protein (p.Ser295del), but otherwise preserves the integrity of the reading frame. This variant is not present in population databases (gnomAD no frequency). This variant has not been reported in the literature in individuals affected with RDH5-related conditions. Experimental studies and prediction algorithms are not available or were not evaluated, and the functional significance of this variant is currently unknown. In summary, the available evidence is currently insufficient to determine the role of this variant in disease. Therefore, it has been classified as a Variant of Uncertain Significance.

NM_002905.5(RDH5):c.881CCT[1] (p.Ser295del)

Genes: CD63 (CD63 molecule; minus strand), RDH5 (retinol dehydrogenase 5; plus strand), BLOC1S1-RDH5 (BLOC1S1-RDH5 readthrough; plus strand). Cytogenetic location: 12q13.2.
Variant type: Microsatellite.
Coding change: c.881CCT[1] on transcript NM_002905.5 (MANE Select); one copy of the 3-base unit CCT starting at c.881; the reference has two copies in a row; one copy, 3 bases deleted.
Protein change: p.Ser295del; deletes serine 295.
Molecular consequence: inframe deletion. On other transcripts: non-coding transcript variant (1).
Genome position (GRCh38, 1-based): chr12:55,724,472-55,724,474, CCT deleted; deleting any 3 consecutive bases within chr12:55,724,469-55,724,474 gives the same sequence; the position shown is the placement nearest the transcript's 3' end. VCF-style (leftmost placement, unchanged base first): chr12-55724468-GCCT-G. GRCh37 (hg19) VCF-style: chr12-56118252-GCCT-G.
Other names: c.881CCT[1], p.Ser295del (NM_001199771.3); short protein forms S295del.
Identifiers: ClinVar variation 1442846 (VCV001442846.8), dbSNP rs2136143155, ClinGen allele CA2575183651.
Genomic context (GRCh38, chr12:55,724,468, plus strand): 5'-GCTCGACACCCCCGAACCCGCTACAGCCCAGGTTGGGATGCCAAGCTGCTCTGGCTGCCT[GCCT>G]CCTACCTGCCAGCCAGCCTGGTGGATGCTGTGCTCACCTGGGTCCTTCCCAAGCCTGCCC-3'